The following is an entry in ClinVar:

NM_004304.5(ALK):c.1246G>T (p.Ala416Ser)

Gene: ALK (ALK receptor tyrosine kinase; minus strand). Cytogenetic location: 2p23.2.
Variant type: single nucleotide variant.
Coding change: c.1246G>T on transcript NM_004304.5 (MANE Select); coding-DNA position 1246, G replaced by T.
Protein change: p.Ala416Ser; replaces alanine 416 with serine.
Molecular consequence: missense variant.
Genome position (GRCh38, 1-based): chr2:29,383,768, C>A on the plus strand (G>T on the coding strand, the complement: ALK is on the minus strand). VCF-style: chr2-29383768-C-A. GRCh37 (hg19) VCF-style: chr2-29606634-C-A.
Other names: short protein forms A416S.
Identifiers: ClinVar variation 538253 (VCV000538253.14), dbSNP rs775917326, ClinGen allele CA346585152.

ClinVar aggregate classification (germline): Conflicting classifications of pathogenicity. Review status: criteria provided, conflicting classifications (1 of 4 stars). 4 submissions from 4 submitters: Uncertain significance (3); Likely benign (1). Last evaluated 2025-09-30.

Conditions:
Neuroblastoma, susceptibility to, 3. Also called: ALK-Related Neuroblastic Tumor Susceptibility. Identifiers: Orphanet 635, MedGen C2751681, MONDO:0013083, OMIM 613014.
Hereditary cancer-predisposing syndrome. Also called: Neoplastic Syndromes, Hereditary; Tumor predisposition; Hereditary Cancer Syndrome; Hereditary neoplastic syndrome. Identifiers: Orphanet 140162, MedGen C0027672, MeSH D009386, MONDO:0015356.

Allele frequency attached by ClinVar (database versions not stated): gnomAD 0.00001; TOPMed 0.00002.
gnomAD v4.1: 1 of 1,614,170 alleles (0.000062%); highest among the groups gnomAD compares: African/African-American, 0.0013%; no homozygotes.

Submissions (4):

Labcorp Genetics (formerly Invitae), Labcorp
Classification: Uncertain significance for Neuroblastoma, susceptibility to, 3. Last evaluated: 2025-09-30. Review status: criteria provided, single submitter. Criteria: Invitae Variant Classification Sherloc (09022015). Collection method: clinical testing. Allele origin: germline.
Comment: This sequence change replaces alanine, which is neutral and non-polar, with serine, which is neutral and polar, at codon 416 of the ALK protein (p.Ala416Ser). This variant is not present in population databases (gnomAD no frequency). This variant has not been reported in the literature in individuals affected with ALK-related conditions. ClinVar contains an entry for this variant (Variation ID: 538253). An algorithm developed to predict the effect of missense changes on protein structure and function (PolyPhen-2) suggests that this variant is likely to be disruptive. In summary, the available evidence is currently insufficient to determine the role of this variant in disease. Therefore, it has been classified as a Variant of Uncertain Significance.

GeneDx
Classification: Uncertain significance. Last evaluated: 2025-02-24. Review status: criteria provided, single submitter. Criteria: GeneDx Variant Classification Process June 2021. Collection method: clinical testing. Allele origin: germline. Affected: yes.
Comment: Not observed at significant frequency in large population cohorts (gnomAD); In silico analysis indicates that this missense variant does not alter protein structure/function; Has not been previously published as pathogenic or benign to our knowledge

Ambry Genetics
Classification: Likely benign for Hereditary cancer-predisposing syndrome. Last evaluated: 2025-01-30. Review status: criteria provided, single submitter. Criteria: Ambry Variant Classification Scheme 2023. Collection method: clinical testing. Allele origin: germline.

Baylor Genetics
Classification: Uncertain significance for Neuroblastoma, susceptibility to, 3. Last evaluated: 2023-06-30. Review status: criteria provided, single submitter. Criteria: ACMG Guidelines, 2015. Collection method: clinical testing. Allele origin: unknown.